The following is an entry in ClinVar:

NM_006859.4(LIAS):c.152G>A (p.Gly51Asp)

Gene: LIAS (lipoic acid synthetase; plus strand). Cytogenetic location: 4p14.
Variant type: single nucleotide variant.
Coding change: c.152G>A on transcript NM_006859.4 (MANE Select); coding-DNA position 152, G replaced by A.
Protein change: p.Gly51Asp; replaces glycine 51 with aspartic acid.
Molecular consequence: missense variant.
Genome position (GRCh38, 1-based): chr4:39,460,896, G>A. VCF-style: chr4-39460896-G-A. GRCh37 (hg19) VCF-style: chr4-39462516-G-A.
Other names: c.152G>A, p.Gly51Asp (NM_001278590.2, NM_001278591.2, NM_001278592.2 and 2 more transcripts); short protein forms G51D.
Identifiers: ClinVar variation 1030163 (VCV001030163.3), dbSNP rs1191295540, ClinGen allele CA356663765.

ClinVar aggregate classification (germline): Uncertain significance. Review status: criteria provided, multiple submitters, no conflicts (2 of 4 stars). 2 submissions from 2 submitters: Uncertain significance (2). Last evaluated 2022-07-03.

Conditions:
Lipoic acid synthetase deficiency. Also called: HYPERGLYCINEMIA, LACTIC ACIDOSIS, AND SEIZURES. Identifiers: Orphanet 401859, MedGen C3280887, MONDO:0013762, OMIM 614462.

Allele frequency attached by ClinVar (database versions not stated): gnomAD exomes below 0.00001.
gnomAD v4.1: 1 of 1,613,190 alleles (0.000062%); no homozygotes.

Submissions (2):

Labcorp Genetics (formerly Invitae), Labcorp
Classification: Uncertain significance for Lipoic acid synthetase deficiency. Last evaluated: 2022-07-03. Review status: criteria provided, single submitter. Criteria: Invitae Variant Classification Sherloc (09022015). Collection method: clinical testing. Allele origin: germline.
Comment: This sequence change replaces glycine, which is neutral and non-polar, with aspartic acid, which is acidic and polar, at codon 51 of the LIAS protein (p.Gly51Asp). This variant is present in population databases (no rsID available, gnomAD 0.004%). This variant has not been reported in the literature in individuals affected with LIAS-related conditions. ClinVar contains an entry for this variant (Variation ID: 1030163). Algorithms developed to predict the effect of missense changes on protein structure and function (SIFT, PolyPhen-2, Align-GVGD) all suggest that this variant is likely to be tolerated. In summary, the available evidence is currently insufficient to determine the role of this variant in disease. Therefore, it has been classified as a Variant of Uncertain Significance.

Baylor Genetics
Classification: Uncertain significance for Lipoic acid synthetase deficiency. Last evaluated: 2019-12-26. Review status: criteria provided, single submitter. Criteria: ACMG Guidelines, 2015. Collection method: clinical testing. Allele origin: unknown. Affected: yes.
Comment: This variant was determined to be of uncertain significance according to ACMG Guidelines, 2015 [PMID:25741868].